The following is an entry in ClinVar:

NM_004168.4(SDHA):c.221dup (p.Leu74fs)

Gene: SDHA (succinate dehydrogenase complex flavoprotein subunit A; plus strand). Cytogenetic location: 5p15.33.
Variant type: Duplication.
Coding change: c.221dup on transcript NM_004168.4 (MANE Select); coding-DNA position 221, one base duplicated (T; older notation c.221dupT).
Protein change: p.Leu74fs; shifts the reading frame from leucine 74.
Molecular consequence: frameshift variant.
Genome position (GRCh38, 1-based): chr5:224,430, T duplicated; the last of 2 consecutive T bases (chr5:224,429-224,430); duplicating either gives the same sequence. VCF-style (leftmost placement, unchanged base first): chr5-224428-C-CT. GRCh37 (hg19) VCF-style: chr5-224543-C-CT.
Other names: c.221dupT (NM_004168.2); c.221dup, p.Leu74fs (NM_001294332.2, NM_001330758.2); short protein forms L74fs.
Identifiers: ClinVar variation 3759097 (VCV003759097.4).

ClinVar aggregate classification (germline): Conflicting classifications of pathogenicity. Review status: criteria provided, conflicting classifications (1 of 4 stars). 3 submissions from 3 submitters: Pathogenic (2); Likely benign (1). Last evaluated 2026-08-28.

Conditions:
Hereditary cancer-predisposing syndrome. Also called: Tumor predisposition; Hereditary neoplastic syndrome; Hereditary Cancer Syndrome; Neoplastic Syndromes, Hereditary. Identifiers: Orphanet 140162, MedGen C0027672, MeSH D009386, MONDO:0015356.
Mitochondrial complex II deficiency, nuclear type 1. Also called: SUCCINATE CoQ REDUCTASE DEFICIENCY. Identifiers: Orphanet 3208, MedGen C5700310, MONDO:0100294, OMIM 252011.
Pheochromocytoma/paraganglioma syndrome 5. Also called: Paragangliomas 5; SDHA-Related Hereditary Paraganglioma-Pheochromocytoma Syndrome. Identifiers: Orphanet 29072, MedGen C3279992, MONDO:0013602, OMIM 614165.

Submissions (3):

Ambry Genetics
Classification: Pathogenic for Hereditary cancer-predisposing syndrome. Last evaluated: 2026-08-28. Review status: criteria provided, single submitter. Criteria: Ambry Variant Classification Scheme 2023. Collection method: clinical testing. Allele origin: germline.
Comment: The c.221dupT pathogenic mutation, located in coding exon 3 of the SDHA gene, results from a duplication of T at nucleotide position 221, causing a translational frameshift with a predicted alternate stop codon (p.L74Ffs*9). This variant is considered to be rare based on population cohorts in the Genome Aggregation Database (gnomAD). This variant is expected to result in loss of function by premature protein truncation or nonsense-mediated mRNA decay. As such, this variant is interpreted as a disease-causing mutation.

Labcorp Genetics (formerly Invitae), Labcorp
Classification: Pathogenic for Pheochromocytoma/paraganglioma syndrome 5; Mitochondrial complex II deficiency, nuclear type 1. Last evaluated: 2024-05-13. Review status: criteria provided, single submitter. Criteria: Invitae Variant Classification Sherloc (09022015). Collection method: clinical testing. Allele origin: germline.
Comment: This sequence change creates a premature translational stop signal (p.Leu74Phefs*9) in the SDHA gene. It is expected to result in an absent or disrupted protein product. Loss-of-function variants in SDHA are known to be pathogenic (PMID: 22974104, 24781757). This variant is not present in population databases (gnomAD no frequency). This premature translational stop signal has been observed in individual(s) with encephalopathy (PMID: 23849264). This variant is also known as c.T220T/insT. For these reasons, this variant has been classified as Pathogenic.

Blueprint Genetics
Classification: Likely benign. Last evaluated: 2018-03-23. Review status: criteria provided, single submitter. Criteria: ACMG Guidelines, 2015. Collection method: clinical testing. Allele origin: germline.

Literature cited by the submitters: PubMed 22974104 (cited by Labcorp Genetics (formerly Invitae), Labcorp); PubMed 24781757 (cited by Labcorp Genetics (formerly Invitae), Labcorp); PubMed 23849264 (cited by Labcorp Genetics (formerly Invitae), Labcorp).